The following is an entry in ClinVar:

ClinVar aggregate classification (germline): Likely benign. Review status: criteria provided, single submitter (1 of 4 stars). 2 submissions from 2 submitters: Likely benign (1). 1 of the submissions does not count toward it. Last evaluated 2022-07-01.

Conditions:
HELQ-related disorder. Also called: HELQ-related condition.

Allele frequency attached by ClinVar (database versions not stated): ESP Exome Variant Server 0.00185; gnomAD 0.00197; TOPMed 0.00202; gnomAD exomes 0.00257; 1000 Genomes Project 0.00100; 1000 Genomes Project 30x 0.00109; ExAC 0.00166.
gnomAD v4.1: 3,891 of 1,564,474 alleles (0.25%); highest among the groups gnomAD compares: Non-Finnish European, 0.31%; 8 homozygotes.

Submissions (2):

CeGaT Center for Human Genetics Tuebingen
Classification: Likely benign. Last evaluated: 2022-07-01. Review status: criteria provided, single submitter. Criteria: CeGaT Center For Human Genetics Tuebingen Variant Classification Criteria Version 2. Collection method: clinical testing. Allele origin: germline. Affected: yes. Observed: 1 variant allele.
Comment: HELQ: BP4, BP7

PreventionGenetics, part of Exact Sciences
Classification: Likely benign for HELQ-related condition. Last evaluated: 2019-02-16. Review status: no assertion criteria provided. Collection method: clinical testing. Allele origin: germline. Not counted in ClinVar's aggregate classification.
Comment: This variant is classified as likely benign based on ACMG/AMP sequence variant interpretation guidelines (Richards et al. 2015 PMID: 25741868, with internal and published modifications).

NM_133636.5(HELQ):c.2679T>C (p.Phe893=)

Gene: HELQ (helicase, POLQ like; minus strand). Cytogenetic location: 4q21.23.
Variant type: single nucleotide variant.
Coding change: c.2679T>C on transcript NM_133636.5 (MANE Select); coding-DNA position 2679, T replaced by C.
Protein change: p.Phe893=; no amino-acid change (phenylalanine 893 retained).
Molecular consequence: synonymous variant.
Genome position (GRCh38, 1-based): chr4:83,426,090, A>G on the plus strand (T>C on the coding strand, the complement: HELQ is on the minus strand). VCF-style: chr4-83426090-A-G. GRCh37 (hg19) VCF-style: chr4-84347243-A-G.
Other names: c.2679T>C (NM_133636.3); c.2478T>C, p.Phe826= (NM_001297755.2); c.1188T>C, p.Phe396= (NM_001297756.2); c.1047T>C, p.Phe349= (NM_001297757.2).
Identifiers: ClinVar variation 2654856 (VCV002654856.25), dbSNP rs144287404, ClinGen allele CA2989412.